The following is an entry in ClinVar:

NM_198129.4(LAMA3):c.5462-1G>A

Gene: LAMA3 (laminin subunit alpha 3; plus strand). Cytogenetic location: 18q11.2.
Variant type: single nucleotide variant.
Coding change: c.5462-1G>A on transcript NM_198129.4 (MANE Select); the canonical splice acceptor site of the intron before coding-DNA position 5462, G replaced by A.
Molecular consequence: splice acceptor variant.
Genome position (GRCh38, 1-based): chr18:23,894,906, G>A. VCF-style: chr18-23894906-G-A. GRCh37 (hg19) VCF-style: chr18-21474870-G-A.
Other names: c.5462-1G>A (NM_001127717.4); c.635-1G>A (NM_000227.6, NM_001127718.4).
Identifiers: ClinVar variation 2736710 (VCV002736710.3), dbSNP rs2511356075, ClinGen allele CA402045975.

ClinVar aggregate classification (germline): Likely pathogenic (1 of 4 stars; one submission).

Allele frequency attached by ClinVar (database versions not stated): gnomAD exomes below 0.00001.
gnomAD v4.1: 2 of 1,614,164 alleles (0.00012%); highest among the groups gnomAD compares: South Asian, 0.0022%; no homozygotes.

Submission:

Labcorp Genetics (formerly Invitae), Labcorp
Classification: Likely pathogenic. Last evaluated: 2024-03-06. Review status: criteria provided, single submitter. Criteria: Invitae Variant Classification Sherloc (09022015). Collection method: clinical testing. Allele origin: germline.
Comment: This sequence change affects an acceptor splice site in intron 6 of the LAMA3 gene. It is expected to disrupt RNA splicing. Variants that disrupt the donor or acceptor splice site typically lead to a loss of protein function (PMID: 16199547), and loss-of-function variants in LAMA3 are known to be pathogenic (PMID: 10366601, 11810295, 12915477, 16473856, 17362460, 22434185, 23869449, 27827380, 28087116). This variant is not present in population databases (gnomAD no frequency). Disruption of this splice site has been observed in individual(s) with junctional epidermolysis bullosa (PMID: 24390279). Algorithms developed to predict the effect of sequence changes on RNA splicing suggest that this variant may disrupt the consensus splice site. In summary, the currently available evidence indicates that the variant is pathogenic, but additional data are needed to prove that conclusively. Therefore, this variant has been classified as Likely Pathogenic.

Literature cited by the submitters: PubMed 16199547; PubMed 10366601; PubMed 11810295; PubMed 12915477; PubMed 16473856; PubMed 17362460; PubMed 22434185; PubMed 23869449; PubMed 27827380; PubMed 28087116; PubMed 24390279.